The following is an entry in ClinVar:

NM_001267550.2(TTN):c.104954G>A (p.Ser34985Asn)

Genes: TTN (titin; minus strand), TTN-AS1 (TTN antisense RNA 1; plus strand). Cytogenetic location: 2q31.2.
Variant type: single nucleotide variant.
Coding change: c.104954G>A on transcript NM_001267550.2 (MANE Select); coding-DNA position 104954, G replaced by A.
Protein change: p.Ser34985Asn; replaces serine 34985 with asparagine.
Molecular consequence: missense variant.
Genome position (GRCh38, 1-based): chr2:178,531,661, C>T on the plus strand (G>A on the coding strand, the complement: TTN is on the minus strand). VCF-style: chr2-178531661-C-T. GRCh37 (hg19) VCF-style: chr2-179396388-C-T.
Other names: c.100031G>A, p.Ser33344Asn (NM_001256850.1); c.77759G>A, p.Ser25920Asn (NM_003319.4); c.97250G>A, p.Ser32417Asn (NM_133378.4); c.78134G>A, p.Ser26045Asn (NM_133432.3); c.78335G>A, p.Ser26112Asn (NM_133437.4); short protein forms S25920N, S26112N, S32417N, S26045N, S34985N, S33344N.
Identifiers: ClinVar variation 946484 (VCV000946484.10), dbSNP rs1689156700, ClinGen allele CA349409807.

ClinVar aggregate classification (germline): Uncertain significance (1 of 4 stars; one submission).

Conditions:
Autosomal recessive limb-girdle muscular dystrophy type 2J (LGMDR10). Also called: Limb-girdle muscular dystrophy, type 2J; MUSCULAR DYSTROPHY, LIMB-GIRDLE, AUTOSOMAL RECESSIVE 10. Identifiers: Orphanet 140922, MedGen C1837342, MONDO:0012127, OMIM 608807.
Dilated cardiomyopathy 1G (CMD1G). Identifiers: Orphanet 154, MedGen C1858763, MONDO:0011400, OMIM 604145.

Submission:

Labcorp Genetics (formerly Invitae), Labcorp
Classification: Uncertain significance for Dilated cardiomyopathy 1G; Autosomal recessive limb-girdle muscular dystrophy type 2J. Last evaluated: 2025-11-08. Review status: criteria provided, single submitter. Criteria: Invitae Variant Classification Sherloc (09022015). Collection method: clinical testing. Allele origin: germline.
Comment: This sequence change replaces serine, which is neutral and polar, with asparagine, which is neutral and polar, at codon 34985 of the TTN protein (p.Ser34985Asn). This variant is not present in population databases (gnomAD no frequency). This missense change has been observed in individual(s) with distal myopathy (internal data). ClinVar contains an entry for this variant (Variation ID: 946484). Experimental studies and prediction algorithms are not available or were not evaluated, and the functional significance of this variant is currently unknown. This variant is located in the M band of TTN (PMID: 25589632). Non-truncating variants in this region may be relevant for neuromuscular disorders, but have not been definitively shown to cause cardiomyopathy (PMID: 23975875). In summary, the available evidence is currently insufficient to determine the role of this variant in disease. Therefore, it has been classified as a Variant of Uncertain Significance.

Literature cited by the submitters: PubMed 25589632; PubMed 23975875.